The following is an entry in ClinVar:

ClinVar aggregate classification (germline): Uncertain significance. Review status: criteria provided, multiple submitters, no conflicts (2 of 4 stars). 2 submissions from 2 submitters: Uncertain significance (2). Last evaluated 2023-07-06.

Conditions:
Catecholaminergic polymorphic ventricular tachycardia 1. Also called: VENTRICULAR TACHYCARDIA, CATECHOLAMINERGIC POLYMORPHIC, 1, WITH OR WITHOUT ATRIAL DYSFUNCTION AND/OR DILATED CARDIOMYOPATHY; RYR2-Related Catecholaminergic Polymorphic Ventricular Tachycardia; VENTRICULAR TACHYCARDIA, STRESS-INDUCED POLYMORPHIC 1. Identifiers: Orphanet 3286, MedGen C1631597, MONDO:0011484, OMIM 604772.

gnomAD v4.1: 1 of 1,613,706 alleles (0.000062%); highest among the groups gnomAD compares: Admixed American, 0.0017%; no homozygotes.

Submissions (2):

GeneDx
Classification: Uncertain significance. Last evaluated: 2023-07-06. Review status: criteria provided, single submitter. Criteria: GeneDx Variant Classification Process June 2021. Collection method: clinical testing. Allele origin: germline. Affected: yes.
Comment: Not observed at significant frequency in large population cohorts (gnomAD); In silico analysis supports that this missense variant does not alter protein structure/function; Has not been previously published as pathogenic or benign to our knowledge; Located in one of the three hot-spot regions of the RYR2 gene, where the majority of pathogenic missense variants occur (Medeiros-Domingo et al., 2009); This variant is associated with the following publications: (PMID: 19926015)

Labcorp Genetics (formerly Invitae), Labcorp
Classification: Uncertain significance for Catecholaminergic polymorphic ventricular tachycardia 1. Last evaluated: 2021-10-10. Review status: criteria provided, single submitter. Criteria: Invitae Variant Classification Sherloc (09022015). Collection method: clinical testing. Allele origin: germline.
Comment: This sequence change replaces isoleucine with valine at codon 182 of the RYR2 protein (p.Ile182Val). The isoleucine residue is highly conserved and there is a small physicochemical difference between isoleucine and valine. This variant is not present in population databases (ExAC no frequency). This variant has not been reported in the literature in individuals affected with RYR2-related conditions. Advanced modeling of protein sequence and biophysical properties (such as structural, functional, and spatial information, amino acid conservation, physicochemical variation, residue mobility, and thermodynamic stability) performed at Invitae indicates that this missense variant is expected to disrupt RYR2 protein function. In summary, the available evidence is currently insufficient to determine the role of this variant in disease. Therefore, it has been classified as a Variant of Uncertain Significance.

NM_001035.3(RYR2):c.544A>G (p.Ile182Val)

Gene: RYR2 (ryanodine receptor 2; plus strand). Cytogenetic location: 1q43.
Variant type: single nucleotide variant.
Coding change: c.544A>G on transcript NM_001035.3 (MANE Select); coding-DNA position 544, A replaced by G.
Protein change: p.Ile182Val; replaces isoleucine 182 with valine.
Molecular consequence: missense variant.
Genome position (GRCh38, 1-based): chr1:237,377,403, A>G. VCF-style: chr1-237377403-A-G. GRCh37 (hg19) VCF-style: chr1-237540703-A-G.
Other names: c.544A>G (NM_001035.2); short protein forms I182V.
Identifiers: ClinVar variation 1440207 (VCV001440207.46), dbSNP rs2149792958, ClinGen allele CA345375675.
Genomic context (GRCh38, chr1:237,377,403, plus strand): 5'-ATACACCCTGCCTCTAAGCAGCGATCAGAAGGAGAAAAAGTACGAGTTGGAGATGACCTC[A>G]TCTTAGTTAGCGTGTCCTCTGAAAGGTACTTGGTAAGTGTGGAAAGTAGGATCATGTATC-3'
Protein context (NP_001026.2, residues 172-192): GEKVRVGDDL[Ile182Val]LVSVSSERYL